The following is an entry in ClinVar:

NM_020975.6(RET):c.1900T>A (p.Cys634Ser)

Gene: RET (ret proto-oncogene; plus strand). Cytogenetic location: 10q11.21.
Variant type: single nucleotide variant.
Coding change: c.1900T>A on transcript NM_020975.6 (MANE Select); coding-DNA position 1900, T replaced by A.
Protein change: p.Cys634Ser; replaces cysteine 634 with serine.
Molecular consequence: missense variant.
Genome position (GRCh38, 1-based): chr10:43,114,500, T>A. VCF-style: chr10-43114500-T-A. GRCh37 (hg19) VCF-style: chr10-43609948-T-A.
Other names: c.1900T>A, p.Cys634Ser (NM_000323.2, NM_001406743.1, NM_001406744.1 and 4 more transcripts); c.1138T>A, p.Cys380Ser (NM_001355216.2); c.1771T>A, p.Cys591Ser (NM_001406761.1, NM_001406762.1, NM_001406764.1); c.1174T>A, p.Cys392Ser (NM_001406777.1, NM_001406778.1, NM_001406775.1 and 1 more transcripts); c.1003T>A, p.Cys335Ser (NM_001406779.1, NM_001406780.1, NM_001406781.1 and 1 more transcripts); c.874T>A, p.Cys292Ser (NM_001406783.1, NM_001406786.1); c.910T>A, p.Cys304Ser (NM_001406784.1); c.883T>A, p.Cys295Ser (NM_001406785.1); and 7 more; short protein forms C634S, C380S, C199S, C239S, C292S, C392S, C488S, C502S.
Identifiers: ClinVar variation 38605 (VCV000038605.13), dbSNP rs75076352, ClinGen allele CA008307.

ClinVar aggregate classification (germline): Pathogenic. Review status: criteria provided, multiple submitters, no conflicts (2 of 4 stars). 5 submissions from 5 submitters: Pathogenic (5). Last evaluated 2026-09-21.

Conditions:
Hereditary cancer-predisposing syndrome. Also called: Hereditary neoplastic syndrome; Neoplastic Syndromes, Hereditary; Hereditary Cancer Syndrome; Tumor predisposition. Identifiers: Orphanet 140162, MedGen C0027672, MeSH D009386, MONDO:0015356.
Multiple endocrine neoplasia, type 2 (MEN2). Identifiers: Orphanet 653, MedGen C4048306, MONDO:0019003. Disease mechanism: gain of function.
Multiple endocrine neoplasia type 2A. Also called: Multiple Endocrine Neoplasia Type 2A (MEN2A); MULTIPLE ENDOCRINE NEOPLASIA, TYPE IIA; PTC SYNDROME; SIPPLE SYNDROME; MEN 2A; MEN-2A syndrome. Identifiers: Orphanet 247698, Orphanet 653, MedGen C0025268, MeSH D018813, MONDO:0008234, OMIM 171400.

Submissions (5):

Myriad Genetics, Inc.
Classification: Pathogenic for Multiple endocrine neoplasia type 2A. Last evaluated: 2026-09-21. Review status: criteria provided, single submitter. Criteria: Myriad Autosomal Dominant, Autosomal Recessive and X-Linked Classification Criteria (2023). Collection method: clinical testing. Allele origin: unknown.
Comment: This variant is considered pathogenic. Functional studies indicate this variant impacts protein function [PMID: 9230192, 15277225]. This variant has been reported in multiple individuals with clinical features of gene-specific disease [PMID: 30763276, 15277225, 21765987, 29656518, 25143909, 25810047].

Dasa
Classification: Pathogenic. Last evaluated: 2025-11-04. Review status: criteria provided, single submitter. Criteria: DASA Assertion Criteria. Collection method: clinical testing. Allele origin: germline.
Comment: NM_020975.6(RET):c.1900T>A (p.Cys634Ser) is a missense variant that results in the substitution of cysteine with serine. The affected residue or protein region has prior evidence supporting clinical relevance. Segregation evidence has been reported in affected families. Functional evidence supports a deleterious effect on the gene or gene product (PMID: 31510104; PMID: 27698838; PMID: 25440022; PMID: 28099363; PMID: 10522989). This variant has been recurrently observed in individuals with related phenotype (PMID: 31510104; PMID: 27698838; PMID: 25440022; PMID: 28099363; PMID: 10522989). Multiple computational predictions support a deleterious effect on the gene or gene product. The variant is present at low frequency in population datasets. Based on the available data, this variant is classified as pathogenic.

Labcorp Genetics (formerly Invitae), Labcorp
Classification: Pathogenic for Multiple endocrine neoplasia, type 2. Last evaluated: 2025-10-18. Review status: criteria provided, single submitter. Criteria: Invitae Variant Classification Sherloc (09022015). Collection method: clinical testing. Allele origin: germline.
Comment: This sequence change replaces cysteine, which is neutral and slightly polar, with serine, which is neutral and polar, at codon 634 of the RET protein (p.Cys634Ser). This variant is not present in population databases (gnomAD no frequency). This missense change has been observed in individuals with multiple endocrine neoplasia type 2 (MEN 2) and medullary thyroid carcinoma (MTC) (PMID: 9467562, 15277225, 21765987, 25143909, 25440022, 28099363). It has also been observed to segregate with disease in related individuals. ClinVar contains an entry for this variant (Variation ID: 38605). An algorithm developed to predict the effect of missense changes on protein structure and function (PolyPhen-2) suggests that this variant is likely to be disruptive. Experimental studies have shown that this missense change affects RET function (PMID: 15277225, 29312610). This variant disrupts the p.Cys634 amino acid residue in RET. Other variant(s) that disrupt this residue have been determined to be pathogenic (PMID: 7824936, 8103403, 8570194, 15472167, 21810974, 23210566, 23617071, 27698838). This suggests that this residue is clinically significant, and that variants that disrupt this residue are likely to be disease-causing. For these reasons, this variant has been classified as Pathogenic.

Molecular Pathology, Peter Maccallum Cancer Centre
Classification: Pathogenic for Multiple endocrine neoplasia, type 2. Last evaluated: 2024-09-10. Review status: criteria provided, single submitter. Criteria: ACMG Guidelines, 2015. Collection method: clinical testing. Allele origin: germline. Inheritance: Autosomal dominant inheritance.

Ambry Genetics
Classification: Pathogenic for Hereditary cancer-predisposing syndrome. Last evaluated: 2023-10-05. Review status: criteria provided, single submitter. Criteria: Ambry Variant Classification Scheme 2023. Collection method: clinical testing. Allele origin: germline.
Comment: The p.C634S pathogenic mutation (also known as c.1900T>A), located in coding exon 11 of the RET gene, results from a T to A substitution at nucleotide position 1900. The cysteine at codon 634 is replaced by serine, an amino acid with dissimilar properties. This alteration has been reported in numerous families with multiple endocrine neoplasia type 2A (MEN2A) or familial medullary thyroid cancer (FMTC) and has been shown to segregate with disease in many of these families (Mulligan LM et al. Nat. Genet. 1994 Jan;6:70-4; Hedayati M et al. J Thyroid Res. 2011 Jun;2011:264248; Mahesh DM et al. Indian J Endocrinol Metab. 2014 Jul;18:516-20; Moore SW et al. J. Pediatr. Surg. 2007 Feb;42:326-32; Zhou Y et al. Clin. Endocrinol. (Oxf). 2007 Oct;67:570-6; Ambry internal data). This alteration has been shown by functional studies to lead to constitutive activation of RET tyrosine kinase and constitutive phosphorylation of MAPK (Melillo RM et al. Am. J. Pathol. 2004 Aug;165:511-21). This mutation occurs at a known hotspot and studies evaluating genotype-phenotype correlation suggest higher penetrance for pheochromocytoma in MEN2 patients with mutations at amino acid position 634 (Quayle FJ et al. Surgery 2007;142:800-5; Yip L et al. Arch Surg 2003; 138:409-16). Of note, the American Thyroid Association recommends that individuals with mutations in codon 634 begin surveillance, screening, and/or possible surgical interventions in early childhood (American Thyroid Association Guidelines Task Force. Thyroid 2009 Jun;19(6):565-612). This amino acid position is highly conserved in available vertebrate species. In addition, this alteration is predicted to be deleterious by in silico analysis. This variant is considered to be rare based on population cohorts in the Genome Aggregation Database (gnomAD). Based on the supporting evidence, this alteration is pathogenic for MEN2; however, the association of this alteration with Hirschsprung disease is unknown.

Literature cited by the submitters: PubMed 9230192 (cited by Myriad Genetics, Inc.); PubMed 15277225 (cited by 4 submitters); PubMed 30763276 (cited by Myriad Genetics, Inc.); PubMed 21765987 (cited by 3 submitters); PubMed 29656518 (cited by Myriad Genetics, Inc.); PubMed 25143909 (cited by 3 submitters); PubMed 25810047 (cited by Myriad Genetics, Inc.); PubMed 31510104 (cited by Dasa); PubMed 27698838 (cited by Dasa and Labcorp Genetics (formerly Invitae), Labcorp); PubMed 25440022 (cited by Dasa and Labcorp Genetics (formerly Invitae), Labcorp); PubMed 28099363 (cited by Dasa and Labcorp Genetics (formerly Invitae), Labcorp); PubMed 10522989 (cited by Dasa); PubMed 29312610 (cited by Dasa and Labcorp Genetics (formerly Invitae), Labcorp); PubMed 9467562 (cited by Labcorp Genetics (formerly Invitae), Labcorp and Ambry Genetics); PubMed 7824936 (cited by Labcorp Genetics (formerly Invitae), Labcorp); PubMed 8103403 (cited by Labcorp Genetics (formerly Invitae), Labcorp); PubMed 8570194 (cited by Labcorp Genetics (formerly Invitae), Labcorp); PubMed 15472167 (cited by Labcorp Genetics (formerly Invitae), Labcorp); PubMed 21810974 (cited by Labcorp Genetics (formerly Invitae), Labcorp); PubMed 23210566 (cited by Labcorp Genetics (formerly Invitae), Labcorp); PubMed 23617071 (cited by Labcorp Genetics (formerly Invitae), Labcorp); PubMed 12686527 (cited by Ambry Genetics); PubMed 17270543 (cited by Ambry Genetics); PubMed 17573899 (cited by Ambry Genetics); PubMed 18063059 (cited by Ambry Genetics); PubMed 7907913 (cited by Ambry Genetics); PubMed 7915166 (cited by Ambry Genetics).